The following is an entry in ClinVar:

ClinVar aggregate classification (germline): Benign (1 of 4 stars; one submission).

Conditions:
Hypophosphatasia. Also called: Phosphoethanol-aminuria. Identifiers: Orphanet 436, MedGen C0020630, MeSH D007014, MONDO:0018570.

Allele frequency attached by ClinVar (database versions not stated): gnomAD exomes 0.00058; 1000 Genomes Project 0.00240; 1000 Genomes Project 30x 0.00250; gnomAD 0.00262 and 0.00281; TOPMed 0.00284.
gnomAD v4.1: 410 of 175,666 alleles (0.23%); highest among the groups gnomAD compares: African/African-American, 0.93%; 2 homozygotes.

Submission:

Illumina Laboratory Services, Illumina
Classification: Benign for Hypophosphatasia. Last evaluated: 2018-01-13. Review status: criteria provided, single submitter. Criteria: ICSL Variant Classification Criteria 13 December 2019. Collection method: clinical testing. Allele origin: germline.
Comment: This variant was observed in the ICSL laboratory as part of a predisposition screen in an ostensibly healthy population. It had not been previously curated by ICSL or reported in the Human Gene Mutation Database (HGMD: prior to June 1st, 2018), and was therefore a candidate for classification through an automated scoring system. Utilizing variant allele frequency, disease prevalence and penetrance estimates, and inheritance mode, an automated score was calculated to assess if this variant is too frequent to cause the disease. Based on the score and internal cut-off values, a variant classified as benign is not then subjected to further curation. The score for this variant resulted in a classification of benign for this disease.

NM_000478.6(ALPL):c.*480A>C

Gene: ALPL (alkaline phosphatase, biomineralization associated; plus strand). Cytogenetic location: 1p36.12.
Variant type: single nucleotide variant.
Coding change: c.*480A>C on transcript NM_000478.6 (MANE Select); 480 bases downstream of the stop codon, A replaced by C.
Molecular consequence: 3 prime UTR variant.
Genome position (GRCh38, 1-based): chr1:21,578,128, A>C. VCF-style: chr1-21578128-A-C. GRCh37 (hg19) VCF-style: chr1-21904621-A-C.
Other names: c.*480A>C (NM_001127501.4, NM_001177520.3, NM_001369803.2 and 2 more transcripts).
Identifiers: ClinVar variation 295570 (VCV000295570.5), dbSNP rs138564953, ClinGen allele CA10609031.
Genomic context (GRCh38, chr1:21,578,128, plus strand): 5'-CCCAGGCCCTACAATGCTCATGTCCCTGTCCCCAGGCCCAGCCCTCCTTCAGGGGAGTTG[A>C]GGTCTTTCTCCTCAGGACAAGGCCTTGCTCACTCACTCACTCCAAGACCACCAGGGTCCC-3'